The following is an entry in ClinVar:

ClinVar aggregate classification (germline): Uncertain significance (1 of 4 stars; one submission).

Conditions:
Inborn genetic diseases. Identifiers: MedGen C0950123, MeSH D030342.

Submission:

Ambry Genetics
Classification: Uncertain significance for Inborn genetic diseases. Last evaluated: 2025-09-09. Review status: criteria provided, single submitter. Criteria: Ambry Variant Classification Scheme 2023. Collection method: clinical testing. Allele origin: germline.
Comment: The c.194G>A (p.R65Q) alteration is located in exon 1 (coding exon 1) of the SRSF1 gene. This alteration results from a G to A substitution at nucleotide position 194, causing the arginine (R) at amino acid position 65 to be replaced by a glutamine (Q). However, this change occurs in the last base pair of coding exon1, which makes it likely to have some effect on normal mRNA splicing. This variant was not reported in population-based cohorts in the Genome Aggregation Database (gnomAD). This nucleotide position is highly conserved in available vertebrate species. This amino acid position is highly conserved in available vertebrate species. This alteration is predicted to be tolerated by in silico analysis. In silico splice site analysis predicts that this alteration may weaken the native splice donor site and may result in the creation or strengthening of a novel splice donor site. Based on insufficient or conflicting evidence, the clinical significance of this alteration remains unclear.

NM_006924.5(SRSF1):c.194G>A (p.Arg65Gln)

Gene: SRSF1 (serine and arginine rich splicing factor 1; minus strand). Cytogenetic location: 17q22.
Variant type: single nucleotide variant.
Coding change: c.194G>A on transcript NM_006924.5 (MANE Select); coding-DNA position 194, G replaced by A.
Protein change: p.Arg65Gln; replaces arginine 65 with glutamine.
Molecular consequence: missense variant. On other transcripts: non-coding transcript variant (2).
Genome position (GRCh38, 1-based): chr17:58,006,944, C>T on the plus strand (G>A on the coding strand, the complement: SRSF1 is on the minus strand). VCF-style: chr17-58006944-C-T. GRCh37 (hg19) VCF-style: chr17-56084305-C-T.
Other names: c.194G>A, p.Arg65Gln (NM_001078166.2); short protein forms R65Q.
Identifiers: ClinVar variation 4175265 (VCV004175265.1).